The following is an entry in ClinVar:

ClinVar aggregate classification (germline): Likely benign (1 of 4 stars; one submission).

Submission:

CeGaT Center for Human Genetics Tuebingen
Classification: Likely benign. Last evaluated: 2023-08-01. Review status: criteria provided, single submitter. Criteria: CeGaT Center For Human Genetics Tuebingen Variant Classification Criteria Version 2. Collection method: clinical testing. Allele origin: germline. Affected: yes. Observed: 1 variant allele.
Comment: GXYLT1: BP4, BP7

NM_173601.2(GXYLT1):c.93A>G (p.Glu31=)

Gene: GXYLT1 (glucoside xylosyltransferase 1; minus strand). Cytogenetic location: 12q12.
Variant type: single nucleotide variant.
Coding change: c.93A>G on transcript NM_173601.2 (MANE Select); coding-DNA position 93, A replaced by G.
Protein change: p.Glu31=; no amino-acid change (glutamic acid 31 retained).
Molecular consequence: synonymous variant.
Genome position (GRCh38, 1-based): chr12:42,144,554, T>C on the plus strand (A>G on the coding strand, the complement: GXYLT1 is on the minus strand). VCF-style: chr12-42144554-T-C. GRCh37 (hg19) VCF-style: chr12-42538356-T-C.
Other names: c.93A>G, p.Glu31= (NM_001099650.2).
Identifiers: ClinVar variation 2642895 (VCV002642895.24), dbSNP rs1190979768, ClinGen allele CA479282553.